The following is an entry in ClinVar:

NM_001199138.2(NLRC4):c.2656_2657delinsGG (p.Leu886Gly)

Gene: NLRC4 (NLR family CARD domain containing 4; minus strand). Cytogenetic location: 2p22.3.
Variant type: Indel.
Coding change: c.2656_2657delinsGG on transcript NM_001199138.2 (MANE Select); coding-DNA positions 2656 to 2657, CT replaced by GG.
Protein change: p.Leu886Gly; replaces leucine 886 with glycine.
Molecular consequence: missense variant.
Genome position (GRCh38, 1-based): chr2:32,235,526-32,235,527, AG replaced by CC on the plus strand (CT replaced by GG on the coding strand, the reverse complement: NLRC4 is on the minus strand). VCF-style: chr2-32235526-AG-CC. GRCh37 (hg19) VCF-style: chr2-32460595-AG-CC.
Other names: c.2656_2657delCTinsGG, p.Leu886Gly (NM_001199139.2, NM_021209.5); c.661_662delCTinsGG, p.Leu221Gly (NM_001302504.2); short protein forms L221G, L886G.
Identifiers: ClinVar variation 2932582 (VCV002932582.3), dbSNP rs2466719892, ClinGen allele CA2740092824.

ClinVar aggregate classification (germline): Uncertain significance (1 of 4 stars; one submission).

Conditions:
Periodic fever-infantile enterocolitis-autoinflammatory syndrome. Also called: Autoinflammation with infantile enterocolitis. Identifiers: Orphanet 436166, MedGen C4015067, MONDO:0014472, OMIM 616050.
Familial cold autoinflammatory syndrome 4 (FCAS4). Identifiers: Orphanet 47045, Orphanet 576349, MedGen C4015276, MONDO:0014498, OMIM 616115.

Submission:

Labcorp Genetics (formerly Invitae), Labcorp
Classification: Uncertain significance for Periodic fever-infantile enterocolitis-autoinflammatory syndrome; Familial cold autoinflammatory syndrome 4. Last evaluated: 2025-02-13. Review status: criteria provided, single submitter. Criteria: Invitae Variant Classification Sherloc (09022015). Collection method: clinical testing. Allele origin: germline.
Comment: This sequence change replaces leucine, which is neutral and non-polar, with glycine, which is neutral and non-polar, at codon 886 of the NLRC4 protein (p.Leu886Gly). Information on the frequency of this variant in the gnomAD database is not available, as this variant may be reported differently in the database. This variant has not been reported in the literature in individuals affected with NLRC4-related conditions. ClinVar contains an entry for this variant (Variation ID: 2932582). An algorithm developed to predict the effect of missense changes on protein structure and function (PolyPhen-2) suggests that this variant is likely to be disruptive. In summary, the available evidence is currently insufficient to determine the role of this variant in disease. Therefore, it has been classified as a Variant of Uncertain Significance.